The following is an entry in ClinVar:

ClinVar aggregate classification (germline): Conflicting classifications of pathogenicity. Review status: criteria provided, conflicting classifications (1 of 4 stars). 2 submissions from 2 submitters: Uncertain significance (1); Likely benign (1). Last evaluated 2023-03-23.

Conditions:
Hereditary cancer-predisposing syndrome. Also called: Neoplastic Syndromes, Hereditary; Tumor predisposition; Hereditary neoplastic syndrome; Hereditary Cancer Syndrome. Identifiers: Orphanet 140162, MedGen C0027672, MeSH D009386, MONDO:0015356.
Hereditary breast ovarian cancer syndrome. Also called: Hereditary breast and ovarian cancer syndrome (HBOC); Hereditary breast and ovarian cancer syndrome; Breast and ovarian cancer; Hereditary breast and ovarian cancer; Hereditary breast and/or ovarian cancer syndrome; BRCA1- and BRCA2-Associated Hereditary Breast and Ovarian Cancer. Identifiers: Orphanet 145, MedGen C0677776, MeSH D061325, MONDO:0003582. Disease mechanism: loss of function.

Submissions (2):

University of Washington Department of Laboratory Medicine, University of Washington
Classification: Likely benign for Hereditary cancer-predisposing syndrome. Last evaluated: 2023-03-23. Review status: criteria provided, single submitter. Criteria: Dines et al. (Genet Med. 2020). Collection method: curation. Allele origin: germline.
Comment: Missense variant in a coldspot region where missense variants are very unlikely to be pathogenic (PMID:31911673).

BRCA2 exon 11 coldspot. Reclassification based on statistical prior probability.

Labcorp Genetics (formerly Invitae), Labcorp
Classification: Uncertain significance for Hereditary breast ovarian cancer syndrome. Last evaluated: 2018-08-08. Review status: criteria provided, single submitter. Criteria: Invitae Variant Classification Sherloc (09022015). Collection method: clinical testing. Allele origin: germline.
Comment: This sequence change replaces lysine with asparagine at codon 964 of the BRCA2 protein (p.Lys964Asn). The lysine residue is weakly conserved and there is a moderate physicochemical difference between lysine and asparagine. This variant is not present in population databases (ExAC no frequency). This variant has not been reported in the literature in individuals with BRCA2-related disease. Algorithms developed to predict the effect of missense changes on protein structure and function output the following: SIFT: "Tolerated"; PolyPhen-2: "Benign"; Align-GVGD: "Class C0". The asparagine amino acid residue is found in multiple mammalian species, suggesting that this missense change does not adversely affect protein function. These predictions have not been confirmed by published functional studies and their clinical significance is uncertain. In summary, the available evidence is currently insufficient to determine the role of this variant in disease. Therefore, it has been classified as a Variant of Uncertain Significance.

NM_000059.4(BRCA2):c.2892A>C (p.Lys964Asn)

Gene: BRCA2 (BRCA2 DNA repair associated; plus strand). Cytogenetic location: 13q13.1.
Variant type: single nucleotide variant.
Coding change: c.2892A>C on transcript NM_000059.4 (MANE Select); coding-DNA position 2892, A replaced by C.
Protein change: p.Lys964Asn; replaces lysine 964 with asparagine.
Molecular consequence: missense variant.
Genome position (GRCh38, 1-based): chr13:32,337,247, A>C. VCF-style: chr13-32337247-A-C. GRCh37 (hg19) VCF-style: chr13-32911384-A-C.
Other names: short protein forms K964N.
Identifiers: ClinVar variation 661410 (VCV000661410.10), dbSNP rs587778119, ClinGen allele CA387774126.